The following is an entry in ClinVar:

ClinVar aggregate classification (germline): Uncertain significance (1 of 4 stars; one submission).

Allele frequency attached by ClinVar (database versions not stated): TOPMed below 0.00001.

Submission:

Ambry Genetics
Classification: Uncertain significance. Last evaluated: 2021-09-20. Review status: criteria provided, single submitter. Criteria: Ambry Variant Classification Scheme 2023. Collection method: clinical testing. Allele origin: germline.
Comment: The p.M103I variant (also known as c.309G>T), located in coding exon 1 of the MLH3 gene, results from a G to T substitution at nucleotide position 309. The methionine at codon 103 is replaced by isoleucine, an amino acid with highly similar properties. This amino acid position is conserved. In addition, this alteration is predicted to be tolerated by in silico analysis. Since supporting evidence is limited at this time, the clinical significance of this alteration remains unclear.

NM_001040108.2(MLH3):c.309G>T (p.Met103Ile)

Gene: MLH3 (mutL homolog 3; minus strand). Cytogenetic location: 14q24.3.
Variant type: single nucleotide variant.
Coding change: c.309G>T on transcript NM_001040108.2 (MANE Select); coding-DNA position 309, G replaced by T.
Protein change: p.Met103Ile; replaces methionine 103 with isoleucine.
Molecular consequence: missense variant.
Genome position (GRCh38, 1-based): chr14:75,049,347, C>A on the plus strand (G>T on the coding strand, the complement: MLH3 is on the minus strand). VCF-style: chr14-75049347-C-A. GRCh37 (hg19) VCF-style: chr14-75516050-C-A.
Other names: c.309G>T, p.Met103Ile (NM_014381.3); short protein forms M103I.
Identifiers: ClinVar variation 1727583 (VCV001727583.2), dbSNP rs1892504341, ClinGen allele CA390451030.